The following is an entry in ClinVar:

ClinVar aggregate classification (germline): Pathogenic (1 of 4 stars; one submission).

Conditions:
Autosomal recessive osteopetrosis 4. Also called: infantile malignant CLCN7-related recessive osteopetrosis; CLCN7-Related Osteopetrosis. Identifiers: Orphanet 667, MedGen C1969106, MONDO:0012676, OMIM 611490.

gnomAD v4.1: 1 of 1,614,050 alleles (0.000062%); highest among the groups gnomAD compares: Non-Finnish European, 0.000085%; no homozygotes.

Submission:

Institute of Human Genetics, University of Leipzig Medical Center
Classification: Pathogenic for Autosomal recessive osteopetrosis 4. Last evaluated: 2025-05-05. Review status: criteria provided, single submitter. Criteria: ACMG Guidelines, 2015. Collection method: clinical testing. Allele origin: maternal. Inheritance: Autosomal recessive inheritance. Affected: yes.
Comment: Criteria applied: PVS1,PM1,PM2_SUP

NM_001287.6(CLCN7):c.797C>G (p.Ser266Ter)

Gene: CLCN7 (Cl-/H+ antiporter 7; minus strand). Cytogenetic location: 16p13.3.
Variant type: single nucleotide variant.
Coding change: c.797C>G on transcript NM_001287.6 (MANE Select); coding-DNA position 797, C replaced by G.
Protein change: p.Ser266Ter; replaces serine 266 with a stop codon.
Molecular consequence: nonsense.
Genome position (GRCh38, 1-based): chr16:1,457,279, G>C on the plus strand (C>G on the coding strand, the complement: CLCN7 is on the minus strand). VCF-style: chr16-1457279-G-C. GRCh37 (hg19) VCF-style: chr16-1507280-G-C.
Other names: c.725C>G, p.Ser242Ter (NM_001114331.3); short protein forms S242*, S266*.
Identifiers: ClinVar variation 3901171 (VCV003901171.2).